The following is an entry in ClinVar:

ClinVar aggregate classification (germline): Uncertain significance (1 of 4 stars; one submission).

Allele frequency attached by ClinVar (database versions not stated): ExAC 0.00001; gnomAD 0.00001; TOPMed 0.00001; gnomAD exomes 0.00002; ESP Exome Variant Server 0.00008.
gnomAD v4.1: 33 of 1,613,996 alleles (0.002%); highest among the groups gnomAD compares: Non-Finnish European, 0.0028%; no homozygotes.

Submission:

Labcorp Genetics (formerly Invitae), Labcorp
Classification: Uncertain significance. Last evaluated: 2022-07-07. Review status: criteria provided, single submitter. Criteria: Invitae Variant Classification Sherloc (09022015). Collection method: clinical testing. Allele origin: germline.
Comment: In summary, the available evidence is currently insufficient to determine the role of this variant in disease. Therefore, it has been classified as a Variant of Uncertain Significance. Algorithms developed to predict the effect of missense changes on protein structure and function (SIFT, PolyPhen-2, Align-GVGD) all suggest that this variant is likely to be tolerated. This variant has not been reported in the literature in individuals affected with UBE3B-related conditions. This variant is present in population databases (rs200964637, gnomAD 0.002%). This sequence change replaces threonine, which is neutral and polar, with alanine, which is neutral and non-polar, at codon 69 of the UBE3B protein (p.Thr69Ala).

NM_130466.4(UBE3B):c.205A>G (p.Thr69Ala)

Gene: UBE3B (ubiquitin protein ligase E3B; plus strand). Cytogenetic location: 12q24.11.
Variant type: single nucleotide variant.
Coding change: c.205A>G on transcript NM_130466.4 (MANE Select); coding-DNA position 205, A replaced by G.
Protein change: p.Thr69Ala; replaces threonine 69 with alanine.
Molecular consequence: missense variant.
Genome position (GRCh38, 1-based): chr12:109,483,904, A>G. VCF-style: chr12-109483904-A-G. GRCh37 (hg19) VCF-style: chr12-109921709-A-G.
Other names: c.205A>G, p.Thr69Ala (NM_001270449.2, NM_001270450.2, NM_001270451.2 and 1 more transcripts); short protein forms T69A.
Identifiers: ClinVar variation 2083396 (VCV002083396.2), dbSNP rs200964637, ClinGen allele CA6777422.